The following is an entry in ClinVar:

ClinVar aggregate classification (germline): Uncertain significance. Review status: criteria provided, multiple submitters, no conflicts (2 of 4 stars). 2 submissions from 2 submitters: Uncertain significance (2). Last evaluated 2026-03-27.

Conditions:
Inborn genetic diseases. Identifiers: MedGen C0950123, MeSH D030342.

Allele frequency attached by ClinVar (database versions not stated): gnomAD exomes 0.00001.
gnomAD v4.1: 7 of 1,613,644 alleles (0.00043%); highest among the groups gnomAD compares: Non-Finnish European, 0.00059%; no homozygotes.

Submissions (2):

GeneDx
Classification: Uncertain significance. Last evaluated: 2026-03-27. Review status: criteria provided, single submitter. Criteria: GeneDx Variant Classification Process June 2021. Collection method: clinical testing. Allele origin: germline.
Comment: Not observed at significant frequency in large population cohorts (gnomAD); In silico analysis supports that this missense variant has a deleterious effect on protein structure/function; Has not been previously published as pathogenic or benign to our knowledge

Ambry Genetics
Classification: Uncertain significance for Inborn genetic diseases. Last evaluated: 2024-02-24. Review status: criteria provided, single submitter. Criteria: Ambry Variant Classification Scheme 2023. Collection method: clinical testing. Allele origin: germline.
Comment: The p.G394R variant (also known as c.1180G>A), located in coding exon 11 of the AKT1 gene, results from a G to A substitution at nucleotide position 1180. The glycine at codon 394 is replaced by arginine, an amino acid with dissimilar properties. This amino acid position is conserved. In addition, the in silico prediction for this alteration is inconclusive. Based on the available evidence, the clinical significance of this alteration remains unclear.

NM_001382430.1(AKT1):c.1180G>A (p.Gly394Arg)

Gene: AKT1 (AKT serine/threonine kinase 1; minus strand). Cytogenetic location: 14q32.33.
Variant type: single nucleotide variant.
Coding change: c.1180G>A on transcript NM_001382430.1 (MANE Select); coding-DNA position 1180, G replaced by A.
Protein change: p.Gly394Arg; replaces glycine 394 with arginine.
Molecular consequence: missense variant.
Genome position (GRCh38, 1-based): chr14:104,772,445, C>T on the plus strand (G>A on the coding strand, the complement: AKT1 is on the minus strand). VCF-style: chr14-104772445-C-T. GRCh37 (hg19) VCF-style: chr14-105238782-C-T.
Other names: c.1180G>A, p.Gly394Arg (NM_001014431.2, NM_001014432.2, NM_001382431.1 and 3 more transcripts); short protein forms G394R.
Identifiers: ClinVar variation 3224610 (VCV003224610.3), dbSNP rs1892447721, ClinGen allele CA391216405.